The following is an entry in ClinVar:

ClinVar aggregate classification (germline): Conflicting classifications of pathogenicity. Review status: criteria provided, conflicting classifications (1 of 4 stars). 5 submissions from 5 submitters: Uncertain significance (4); Likely benign (1). Last evaluated 2026-01-14.

Conditions:
Inborn genetic diseases. Identifiers: MedGen C0950123, MeSH D030342.
Spastic paraplegia. Identifiers: MedGen C0037772, HP:0001258.
Hereditary spastic paraplegia. Also called: Familial spastic paraparesis. Identifiers: Orphanet 685, MedGen C0037773, MONDO:0019064. Disease mechanism: loss of function.

Allele frequency attached by ClinVar (database versions not stated): ExAC 0.00005; gnomAD 0.00005; gnomAD exomes 0.00005; TOPMed 0.00005; ESP Exome Variant Server 0.00015.
gnomAD v4.1: 209 of 1,613,840 alleles (0.013%); highest among the groups gnomAD compares: Non-Finnish European, 0.017%; no homozygotes.

Submissions (5):

Labcorp Genetics (formerly Invitae), Labcorp
Classification: Likely benign for Spastic paraplegia. Last evaluated: 2026-01-14. Review status: criteria provided, single submitter. Criteria: Invitae Variant Classification Sherloc (09022015). Collection method: clinical testing. Allele origin: germline.

Blueprint Genetics
Classification: Uncertain significance. Last evaluated: 2023-12-21. Review status: criteria provided, single submitter. Criteria: ACMG Guidelines, 2015. Collection method: clinical testing. Allele origin: germline.

Women's Health and Genetics/Laboratory Corporation of America, LabCorp
Classification: Uncertain significance. Last evaluated: 2023-03-30. Review status: criteria provided, single submitter. Criteria: LabCorp Variant Classification Summary - May 2015. Collection method: clinical testing. Allele origin: germline.
Comment: Variant summary: SACS c.11363G>A (p.Arg3788His) results in a non-conservative amino acid change in the encoded protein sequence. Five of five in-silico tools predict a damaging effect of the variant on protein function. The variant allele was found at a frequency of 5.2e-05 in 251236 control chromosomes. This frequency is not significantly higher than estimated for a pathogenic variant in SACS causing Autosomal Recessive Spastic Ataxia Of Charlevoix-Saguenay (5.2e-05 vs 0.0079), allowing no conclusion about variant significance. To our knowledge, no occurrence of c.11363G>A in individuals affected with Autosomal Recessive Spastic Ataxia Of Charlevoix-Saguenay and no experimental evidence demonstrating its impact on protein function have been reported. Three submitters have provided clinical-significance assessments for this variant to ClinVar after 2014, and classified it as uncertain significance (n=2) or likely benign (n=1). Based on the evidence outlined above, the variant was classified as uncertain significance.

Ambry Genetics
Classification: Uncertain significance for Inborn genetic diseases. Last evaluated: 2021-08-02. Review status: criteria provided, single submitter. Criteria: Ambry Variant Classification Scheme 2023. Collection method: clinical testing. Allele origin: germline.

Genome Diagnostics Laboratory, The Hospital for Sick Children
Classification: Uncertain significance for Hereditary spastic paraplegia. Last evaluated: 2017-04-05. Review status: criteria provided, single submitter. Criteria: ACMG Guidelines, 2015. Collection method: clinical testing. Allele origin: germline. Affected: yes.

NM_014363.6(SACS):c.11363G>A (p.Arg3788His)

Gene: SACS (sacsin molecular chaperone; minus strand). Cytogenetic location: 13q12.12.
Variant type: single nucleotide variant.
Coding change: c.11363G>A on transcript NM_014363.6 (MANE Select); coding-DNA position 11363, G replaced by A.
Protein change: p.Arg3788His; replaces arginine 3788 with histidine.
Molecular consequence: missense variant.
Genome position (GRCh38, 1-based): chr13:23,332,513, C>T on the plus strand (G>A on the coding strand, the complement: SACS is on the minus strand). VCF-style: chr13-23332513-C-T. GRCh37 (hg19) VCF-style: chr13-23906652-C-T.
Other names: c.10922G>A, p.Arg3641His (NM_001278055.2); c.11363G>A (NM_014363.4); short protein forms R3641H, R3788H.
Identifiers: ClinVar variation 1343971 (VCV001343971.10), dbSNP rs147369196, ClinGen allele CA6910293.